The following is an entry in ClinVar:

NM_004006.3(DMD):c.4591C>A (p.Gln1531Lys)

Gene: DMD (dystrophin; minus strand). Cytogenetic location: Xp21.1.
Variant type: single nucleotide variant.
Coding change: c.4591C>A on transcript NM_004006.3 (MANE Select); coding-DNA position 4591, C replaced by A.
Protein change: p.Gln1531Lys; replaces glutamine 1531 with lysine.
Molecular consequence: missense variant.
Genome position (GRCh38, 1-based): chrX:32,386,393, G>T on the plus strand (C>A on the coding strand, the complement: DMD is on the minus strand). VCF-style: chrX-32386393-G-T. GRCh37 (hg19) VCF-style: chrX-32404510-G-T.
Other names: c.4567C>A, p.Gln1523Lys (NM_000109.4); c.4579C>A, p.Gln1527Lys (NM_004009.3); c.4222C>A, p.Gln1408Lys (NM_004010.3); c.568C>A, p.Gln190Lys (NM_004011.4); c.559C>A, p.Gln187Lys (NM_004012.4); short protein forms Q1408K, Q1523K, Q1527K, Q1531K, Q187K, Q190K.
Identifiers: ClinVar variation 4800965 (VCV004800965.1).

ClinVar aggregate classification (germline): Uncertain significance (1 of 4 stars; one submission).

Conditions:
Duchenne muscular dystrophy (DMD). Also called: Duchenne Muscular Dystrophy (DMD); MUSCULAR DYSTROPHY, PSEUDOHYPERTROPHIC PROGRESSIVE, DUCHENNE TYPE. Identifiers: Orphanet 98896, MedGen C0013264, MONDO:0010679, OMIM 310200.

Submission:

Labcorp Genetics (formerly Invitae), Labcorp
Classification: Uncertain significance for Duchenne muscular dystrophy. Last evaluated: 2025-12-25. Review status: criteria provided, single submitter. Criteria: Invitae Variant Classification Sherloc (09022015). Collection method: clinical testing. Allele origin: germline.
Comment: This sequence change replaces glutamine, which is neutral and polar, with lysine, which is basic and polar, at codon 1531 of the DMD protein (p.Gln1531Lys). This variant is not present in population databases (gnomAD no frequency). This variant has not been reported in the literature in individuals affected with DMD-related conditions. Invitae Evidence Modeling of protein sequence and biophysical properties (such as structural, functional, and spatial information, amino acid conservation, physicochemical variation, residue mobility, and thermodynamic stability) indicates that this missense variant is not expected to disrupt DMD protein function with a negative predictive value of 95%. In summary, the available evidence is currently insufficient to determine the role of this variant in disease. Therefore, it has been classified as a Variant of Uncertain Significance.